The following is an entry in ClinVar:

ClinVar aggregate classification (germline): Conflicting classifications of pathogenicity. Review status: criteria provided, conflicting classifications (1 of 4 stars). 2 submissions from 2 submitters: Uncertain significance (1); Likely benign (1). Last evaluated 2025-02-01.

Allele frequency attached by ClinVar (database versions not stated): TOPMed below 0.00001; gnomAD exomes 0.00004; ESP Exome Variant Server 0.00008; gnomAD 0.00009; ExAC 0.00014.

Submissions (2):

CeGaT Center for Human Genetics Tuebingen
Classification: Likely benign. Last evaluated: 2025-02-01. Review status: criteria provided, single submitter. Criteria: CeGaT Center For Human Genetics Tuebingen Variant Classification Criteria Version 2. Collection method: clinical testing. Allele origin: germline. Affected: yes. Observed: 1 variant allele.
Comment: IGSF10: BP4

Labcorp Genetics (formerly Invitae), Labcorp
Classification: Uncertain significance. Last evaluated: 2024-08-05. Review status: criteria provided, single submitter. Criteria: Invitae Variant Classification Sherloc (09022015). Collection method: clinical testing. Allele origin: germline.
Comment: This sequence change replaces arginine, which is basic and polar, with lysine, which is basic and polar, at codon 2144 of the IGSF10 protein (p.Arg2144Lys). This variant is present in population databases (rs374160587, gnomAD 0.06%), and has an allele count higher than expected for a pathogenic variant. This variant has not been reported in the literature in individuals affected with IGSF10-related conditions. ClinVar contains an entry for this variant (Variation ID: 2144519). An algorithm developed to predict the effect of missense changes on protein structure and function outputs the following: PolyPhen-2: "Benign". The lysine amino acid residue is found in multiple mammalian species, which suggests that this missense change does not adversely affect protein function. In summary, the available evidence is currently insufficient to determine the role of this variant in disease. Therefore, it has been classified as a Variant of Uncertain Significance.

NM_178822.5(IGSF10):c.6431G>A (p.Arg2144Lys)

Gene: IGSF10 (immunoglobulin superfamily member 10; minus strand). Cytogenetic location: 3q25.1.
Variant type: single nucleotide variant.
Coding change: c.6431G>A on transcript NM_178822.5 (MANE Select); coding-DNA position 6431, G replaced by A.
Protein change: p.Arg2144Lys; replaces arginine 2144 with lysine.
Molecular consequence: missense variant.
Genome position (GRCh38, 1-based): chr3:151,438,130, C>T on the plus strand (G>A on the coding strand, the complement: IGSF10 is on the minus strand). VCF-style: chr3-151438130-C-T. GRCh37 (hg19) VCF-style: chr3-151155918-C-T.
Other names: c.368G>A, p.Arg123Lys (NM_001178145.3, NM_001178146.3); c.6431G>A, p.Arg2144Lys (NM_001385060.1, NM_001385061.1, NM_001385062.1 and 1 more transcripts); short protein forms R123K, R2144K.
Identifiers: ClinVar variation 2144519 (VCV002144519.17), dbSNP rs374160587, ClinGen allele CA2669511.
Genomic context (GRCh38, chr3:151,438,130, plus strand): 5'-TCACAGTCAAGGACAGCTGTGTCTCCAGCTTTGATTCTCTTGTTGGTTTTGTTACTCTGC[C>T]TTATCCGGGGAGCAGCTGTTATAACTGTTAAGTGGACCTTCATTTCATCTTTCCCTAGGG-3'
Protein context (NP_849144.2, residues 2134-2154): LTVITAAPRI[Arg2144Lys]QSNKTNKRIK